The following is an entry in ClinVar:

NM_016495.6(TBC1D7):c.817G>A (p.Ala273Thr)

Genes: TBC1D7 (TBC1 domain family member 7; minus strand), TBC1D7-LOC100130357 (TBC1D7-LOC100130357 readthrough; minus strand). Cytogenetic location: 6p24.1.
Variant type: single nucleotide variant.
Coding change: c.817G>A on transcript NM_016495.6 (MANE Select); coding-DNA position 817, G replaced by A.
Protein change: p.Ala273Thr; replaces alanine 273 with threonine.
Molecular consequence: missense variant.
Genome position (GRCh38, 1-based): chr6:13,305,166, C>T on the plus strand (G>A on the coding strand, the complement: TBC1D7 is on the minus strand). VCF-style: chr6-13305166-C-T. GRCh37 (hg19) VCF-style: chr6-13305398-C-T.
Other names: c.817G>A, p.Ala273Thr (NM_001318809.2, NM_001143964.4, NM_001143965.4 and 1 more transcripts); c.736G>A, p.Ala246Thr (NM_001143966.4); c.679G>A, p.Ala227Thr (NM_001258457.3); short protein forms A227T, A246T, A273T.
Identifiers: ClinVar variation 1695747 (VCV001695747.5), dbSNP rs768453957, ClinGen allele CA3639613.

ClinVar aggregate classification (germline): Uncertain significance. Review status: criteria provided, multiple submitters, no conflicts (2 of 4 stars). 2 submissions from 2 submitters: Uncertain significance (2). Last evaluated 2025-08-07.

Allele frequency attached by ClinVar (database versions not stated): gnomAD exomes 0.00001 and 0.00003; TOPMed 0.00001; gnomAD 0.00002; ExAC 0.00003.
gnomAD v4.1: 16 of 1,614,052 alleles (0.00099%); highest among the groups gnomAD compares: Admixed American, 0.01%; no homozygotes.

Submissions (2):

Ambry Genetics
Classification: Uncertain significance. Last evaluated: 2025-08-07. Review status: criteria provided, single submitter. Criteria: Ambry Variant Classification Scheme 2023. Collection method: clinical testing. Allele origin: germline.

GeneDx
Classification: Uncertain significance. Last evaluated: 2022-01-10. Review status: criteria provided, single submitter. Criteria: GeneDx Variant Classification Process June 2021. Collection method: clinical testing. Allele origin: germline. Affected: yes.
Comment: Not observed at significant frequency in large population cohorts (gnomAD); In silico analysis supports that this missense variant does not alter protein structure/function; Has not been previously published as pathogenic or benign to our knowledge